The following is an entry in ClinVar:

ClinVar aggregate classification (germline): Uncertain significance. Review status: criteria provided, multiple submitters, no conflicts (2 of 4 stars). 2 submissions from 2 submitters: Uncertain significance (2). Last evaluated 2023-10-04.

Conditions:
Fibrous dysplasia of jaw (CRBM). Also called: Cherubism. Identifiers: Orphanet 184, MedGen C0008029, MONDO:0007315, OMIM 118400.
Inborn genetic diseases. Identifiers: MedGen C0950123, MeSH D030342.

Allele frequency attached by ClinVar (database versions not stated): gnomAD exomes below 0.00001; gnomAD 0.00001.
gnomAD v4.1: 4 of 1,613,420 alleles (0.00025%); highest among the groups gnomAD compares: East Asian, 0.0022%; no homozygotes.

Submissions (2):

Labcorp Genetics (formerly Invitae), Labcorp
Classification: Uncertain significance for Fibrous dysplasia of jaw. Last evaluated: 2023-10-04. Review status: criteria provided, single submitter. Criteria: Invitae Variant Classification Sherloc (09022015). Collection method: clinical testing. Allele origin: germline.
Comment: This sequence change replaces proline, which is neutral and non-polar, with arginine, which is basic and polar, at codon 351 of the SH3BP2 protein (p.Pro351Arg). This variant is not present in population databases (gnomAD no frequency). This variant has not been reported in the literature in individuals affected with SH3BP2-related conditions. ClinVar contains an entry for this variant (Variation ID: 857786). Advanced modeling of protein sequence and biophysical properties (such as structural, functional, and spatial information, amino acid conservation, physicochemical variation, residue mobility, and thermodynamic stability) performed at Invitae indicates that this missense variant is not expected to disrupt SH3BP2 protein function. In summary, the available evidence is currently insufficient to determine the role of this variant in disease. Therefore, it has been classified as a Variant of Uncertain Significance.

Ambry Genetics
Classification: Uncertain significance for Inborn genetic diseases. Last evaluated: 2022-11-17. Review status: criteria provided, single submitter. Criteria: Ambry Variant Classification Scheme 2023. Collection method: clinical testing. Allele origin: germline.

NM_001122681.2(SH3BP2):c.1052C>G (p.Pro351Arg)

Gene: SH3BP2 (SH3 domain binding protein 2; plus strand). Cytogenetic location: 4p16.3.
Variant type: single nucleotide variant.
Coding change: c.1052C>G on transcript NM_001122681.2 (MANE Select); coding-DNA position 1052, C replaced by G.
Protein change: p.Pro351Arg; replaces proline 351 with arginine.
Molecular consequence: missense variant.
Genome position (GRCh38, 1-based): chr4:2,829,958, C>G. VCF-style: chr4-2829958-C-G. GRCh37 (hg19) VCF-style: chr4-2831685-C-G.
Other names: c.1136C>G, p.Pro379Arg (NM_001145855.2); c.1223C>G, p.Pro408Arg (NM_001145856.2); c.1052C>G, p.Pro351Arg (NM_003023.4); short protein forms P408R, P379R, P351R.
Identifiers: ClinVar variation 857786 (VCV000857786.10), dbSNP rs1724890588, ClinGen allele CA356056920.
Genomic context (GRCh38, chr4:2,829,958, plus strand): 5'-GTGACAAACTCAAGTCCTTCCACCTGTCCCCCCGAGGACCACCCACATCTGAGCCCCCAC[C>G]TGTGCCAGCCAACAAGCCCAAGTTCCTGAAGATAGCTGAAGAGGACCCCCCAAGGGAGGC-3'
Protein context (NP_001116153.1, residues 341-361): PRGPPTSEPP[Pro351Arg]VPANKPKFLK